The following is an entry in ClinVar:

ClinVar aggregate classification (germline): Uncertain significance (1 of 4 stars; one submission).

Conditions:
Myofibrillar myopathy 5. Also called: Filaminopathy (type); FILAMINOPATHY, AUTOSOMAL DOMINANT. Identifiers: Orphanet 171445, MedGen C1836050, MONDO:0012289, OMIM 609524.
Hypertrophic cardiomyopathy 26. Also called: Cardiomyopathy, familial hypertrophic, 26. Identifiers: Orphanet 75249, MedGen C4310749, MONDO:0014883, OMIM 617047.
Distal myopathy with posterior leg and anterior hand involvement. Also called: WILLIAMS DISTAL MYOPATHY. Identifiers: Orphanet 63273, MedGen C3279722, MONDO:0013550, OMIM 614065.

Submission:

Labcorp Genetics (formerly Invitae), Labcorp
Classification: Uncertain significance for Distal myopathy with posterior leg and anterior hand involvement; Myofibrillar myopathy 5; Hypertrophic cardiomyopathy 26. Last evaluated: 2021-03-26. Review status: criteria provided, single submitter. Criteria: Invitae Variant Classification Sherloc (09022015). Collection method: clinical testing. Allele origin: germline.
Comment: Algorithms developed to predict the effect of missense changes on protein structure and function are either unavailable or do not agree on the potential impact of this missense change (SIFT: "Deleterious"; PolyPhen-2: "Benign"; Align-GVGD: "Class C0"). In summary, the available evidence is currently insufficient to determine the role of this variant in disease. Therefore, it has been classified as a Variant of Uncertain Significance. This variant has not been reported in the literature in individuals with FLNC-related conditions. This sequence change replaces glycine with aspartic acid at codon 1056 of the FLNC protein (p.Gly1056Asp). The glycine residue is moderately conserved and there is a moderate physicochemical difference between glycine and aspartic acid. This variant is not present in population databases (ExAC no frequency).

NM_001458.5(FLNC):c.3167G>A (p.Gly1056Asp)

Gene: FLNC (filamin C; plus strand). Cytogenetic location: 7q32.1.
Variant type: single nucleotide variant.
Coding change: c.3167G>A on transcript NM_001458.5 (MANE Select); coding-DNA position 3167, G replaced by A.
Protein change: p.Gly1056Asp; replaces glycine 1056 with aspartic acid.
Molecular consequence: missense variant.
Genome position (GRCh38, 1-based): chr7:128,844,241, G>A. VCF-style: chr7-128844241-G-A. GRCh37 (hg19) VCF-style: chr7-128484295-G-A.
Other names: c.3167G>A, p.Gly1056Asp (NM_001127487.2); short protein forms G1056D.
Identifiers: ClinVar variation 1520368 (VCV001520368.8), dbSNP rs763807492, ClinGen allele CA369194690.